The following is an entry in ClinVar:

ClinVar aggregate classification (germline): Uncertain significance. Review status: criteria provided, multiple submitters, no conflicts (2 of 4 stars). 2 submissions from 2 submitters: Uncertain significance (2). Last evaluated 2025-09-01.

Conditions:
Hereditary sensory and autonomic neuropathy type 7. Also called: Neuropathy, hereditary sensory and autonomic, type VII; HSAN VII. Identifiers: Orphanet 391397, MedGen C3809882, MONDO:0014244, OMIM 615548.
Familial episodic pain syndrome with predominantly lower limb involvement. Also called: Episodic pain syndrome, familial, 3. Identifiers: Orphanet 391384, Orphanet 391392, MedGen C3809899, MONDO:0014247, OMIM 615552.

Allele frequency attached by ClinVar (database versions not stated): gnomAD exomes below 0.00001; gnomAD 0.00001; TOPMed 0.00001.

Submissions (2):

CeGaT Center for Human Genetics Tuebingen
Classification: Uncertain significance. Last evaluated: 2025-09-01. Review status: criteria provided, single submitter. Criteria: CeGaT Center For Human Genetics Tuebingen Variant Classification Criteria Version 2. Collection method: clinical testing. Allele origin: germline. Affected: yes. Observed: 1 variant allele.
Comment: SCN11A: PM4:Supporting

Labcorp Genetics (formerly Invitae), Labcorp
Classification: Uncertain significance for Familial episodic pain syndrome with predominantly lower limb involvement; Hereditary sensory and autonomic neuropathy type 7. Last evaluated: 2023-11-08. Review status: criteria provided, single submitter. Criteria: Invitae Variant Classification Sherloc (09022015). Collection method: clinical testing. Allele origin: germline.
Comment: This variant, c.2312_2313insTGG, is a complex sequence change that results in the deletion of 1 and insertion of 2 amino acid(s) in the SCN11A protein (p.Glu771delinsAspGly). This variant is not present in population databases (gnomAD no frequency). This variant has not been reported in the literature in individuals affected with SCN11A-related conditions. Experimental studies and prediction algorithms are not available or were not evaluated, and the functional significance of this variant is currently unknown. In summary, the available evidence is currently insufficient to determine the role of this variant in disease. Therefore, it has been classified as a Variant of Uncertain Significance.

NM_001349253.2(SCN11A):c.2312_2313insTGG (p.Glu771delinsAspGly)

Gene: SCN11A (sodium voltage-gated channel alpha subunit 11; minus strand). Cytogenetic location: 3p22.2.
Variant type: Insertion.
Coding change: c.2312_2313insTGG on transcript NM_001349253.2 (MANE Select); coding-DNA positions 2312 to 2313, TGG inserted.
Protein change: p.Glu771delinsAspGly.
Molecular consequence: inframe indel.
Genome position: GRCh38 VCF-style: chr3-38896935-T-TCCA. GRCh37 (hg19) VCF-style: chr3-38938426-T-TCCA.
Other names: c.2312_2313insTGG, p.Glu771delinsAspGly (NM_014139.3).
Identifiers: ClinVar variation 2938777 (VCV002938777.10), dbSNP rs1234927663, ClinGen allele CA906910768.